The following is an entry in ClinVar:

NM_052989.3(IFT122):c.2349C>A (p.Ile783=)

Gene: IFT122 (intraflagellar transport 122; plus strand). Cytogenetic location: 3q22.1.
Variant type: single nucleotide variant.
Coding change: c.2349C>A on transcript NM_052989.3 (MANE Select); coding-DNA position 2349, C replaced by A.
Protein change: p.Ile783=; no amino-acid change (isoleucine 783 retained).
Molecular consequence: synonymous variant.
Genome position (GRCh38, 1-based): chr3:129,500,042, C>A. VCF-style: chr3-129500042-C-A. GRCh37 (hg19) VCF-style: chr3-129218885-C-A.
Other names: c.2325C>A, p.Ile775= (NM_001280541.2); c.1899C>A, p.Ile633= (NM_001280545.2); c.1722C>A, p.Ile574= (NM_001280546.2); c.2172C>A, p.Ile724= (NM_018262.4); c.2502C>A, p.Ile834= (NM_052985.4); c.2016C>A, p.Ile672= (NM_052990.3).
Identifiers: ClinVar variation 707457 (VCV000707457.19), dbSNP rs114357746, ClinGen allele CA2606482.
Genomic context (GRCh38, chr3:129,500,042, plus strand): 5'-GCCCAAAGCCGCCGTGGAGATGTACATCTCAGCAGGAGAGCACGTCAAGGCCATCGAGAT[C>A]TGTGGTGACCATGGCTGGGTTGACATGTAGGTTTTGGTCCCTGCCCCGAGAAGCATTTGG-3'
Protein context (NP_443715.1, residues 773-793): SAGEHVKAIE[Ile783=]CGDHGWVDML

ClinVar aggregate classification (germline): Benign/Likely benign. Review status: criteria provided, multiple submitters, no conflicts (2 of 4 stars). 5 submissions from 5 submitters: Benign (3); Likely benign (2). Last evaluated 2026-01-25.

Conditions:
Cranioectodermal dysplasia 1 (CED1). Also called: LEVIN SYNDROME I. Identifiers: Orphanet 1515, MedGen C0432235, MONDO:0021093, OMIM 218330.

Allele frequency attached by ClinVar (database versions not stated): gnomAD exomes 0.00113; ExAC 0.00135; ESP Exome Variant Server 0.00461; 1000 Genomes Project 0.00639; 1000 Genomes Project 30x 0.00687; gnomAD 0.00421 and 0.00442; TOPMed 0.00447.
gnomAD v4.1: 1,219 of 1,614,210 alleles (0.076%); highest among the groups gnomAD compares: African/African-American, 1.5%; 8 homozygotes.

Submissions (5):

Labcorp Genetics (formerly Invitae), Labcorp
Classification: Benign for Cranioectodermal dysplasia 1. Last evaluated: 2026-01-25. Review status: criteria provided, single submitter. Criteria: Invitae Variant Classification Sherloc (09022015). Collection method: clinical testing. Allele origin: germline.

Blueprint Genetics
Classification: Likely benign. Last evaluated: 2024-10-02. Review status: criteria provided, single submitter. Criteria: ACMG Guidelines, 2015. Collection method: clinical testing. Allele origin: germline.

GeneDx
Classification: Likely benign. Last evaluated: 2021-10-18. Review status: criteria provided, single submitter. Criteria: GeneDx Variant Classification Process June 2021. Collection method: clinical testing. Allele origin: germline. Affected: yes.

Fulgent Genetics
Classification: Benign for Cranioectodermal dysplasia 1. Last evaluated: 2021-07-27. Review status: criteria provided, single submitter. Criteria: ACMG Guidelines, 2015. Collection method: clinical testing. Allele origin: unknown.

Illumina Laboratory Services, Illumina
Classification: Benign for Cranioectodermal dysplasia 1. Last evaluated: 2018-01-13. Review status: criteria provided, single submitter. Criteria: ICSL Variant Classification Criteria 13 December 2019. Collection method: clinical testing. Allele origin: germline.
Comment: This variant was observed in the ICSL laboratory as part of a predisposition screen in an ostensibly healthy population. It had not been previously curated by ICSL or reported in the Human Gene Mutation Database (HGMD: prior to June 1st, 2018), and was therefore a candidate for classification through an automated scoring system. Utilizing variant allele frequency, disease prevalence and penetrance estimates, and inheritance mode, an automated score was calculated to assess if this variant is too frequent to cause the disease. Based on the score and internal cut-off values, a variant classified as benign is not then subjected to further curation. The score for this variant resulted in a classification of benign for this disease.